The following is an entry in ClinVar:

ClinVar aggregate classification (germline): Conflicting classifications of pathogenicity. Review status: criteria provided, conflicting classifications (1 of 4 stars). 2 submissions from 2 submitters: Uncertain significance (1); Likely benign (1). Last evaluated 2022-06-22.

Conditions:
Inborn genetic diseases. Identifiers: MedGen C0950123, MeSH D030342.
Dihydropteridine reductase deficiency (HPABH4C). Also called: DHPR DEFICIENCY; BH4-Deficient Hyperphenylalaninemia C; Phenylketonuria II; QDPR DEFICIENCY; QUINOID DIHYDROPTERIDINE REDUCTASE DEFICIENCY; HYPERPHENYLALANINEMIA, TETRAHYDROBIOPTERIN-DEFICIENT, DUE TO DHPR DEFICIENCY. Identifiers: Orphanet 226, Orphanet 238583, MedGen C0268465, MONDO:0009862, OMIM 261630.

Submissions (2):

Labcorp Genetics (formerly Invitae), Labcorp
Classification: Uncertain significance for Dihydropteridine reductase deficiency. Last evaluated: 2022-06-22. Review status: criteria provided, single submitter. Criteria: Invitae Variant Classification Sherloc (09022015). Collection method: clinical testing. Allele origin: germline.
Comment: This variant, c.15_17dup, results in the insertion of 1 amino acid(s) of the QDPR protein (p.Ala7dup), but otherwise preserves the integrity of the reading frame. This variant is present in population databases (rs762480653, gnomAD 0.01%). This variant has not been reported in the literature in individuals affected with QDPR-related conditions. ClinVar contains an entry for this variant (Variation ID: 958406). Experimental studies and prediction algorithms are not available or were not evaluated, and the functional significance of this variant is currently unknown. In summary, the available evidence is currently insufficient to determine the role of this variant in disease. Therefore, it has been classified as a Variant of Uncertain Significance.

Ambry Genetics
Classification: Likely benign for Inborn genetic diseases. Last evaluated: 2021-10-28. Review status: criteria provided, single submitter. Criteria: Ambry Variant Classification Scheme 2023. Collection method: clinical testing. Allele origin: germline.

NM_000320.3(QDPR):c.3GGC[6] (p.Ala7dup)

Genes: QDPR (quinoid dihydropteridine reductase; minus strand), LOC129992304 (ATAC-STARR-seq lymphoblastoid silent region 15310; plus strand). Cytogenetic location: 4p15.32.
Variant type: Microsatellite.
Coding change: c.3GGC[6] on transcript NM_000320.3 (MANE Select); six copies in a row of the 3-base unit GGC starting at c.3; the reference has five copies in a row; one copy, 3 bases duplicated.
Protein change: p.Ala7dup; duplicates alanine 7.
Molecular consequence: inframe insertion, initiator codon variant. On other transcripts: non-coding transcript variant (1).
Genome position (GRCh38, 1-based): chr4:17,512,038-17,512,040, GCC duplicated on the plus strand (GGC on the coding strand, the reverse complement: QDPR is on the minus strand); duplicating any 3 consecutive bases within chr4:17,512,038-17,512,052 gives the same sequence; the position shown is the placement nearest the transcript's 3' end. VCF-style (leftmost placement, unchanged base first): chr4-17512037-A-AGCC. GRCh37 (hg19) VCF-style: chr4-17513660-A-AGCC.
Other names: c.15_17dupGGC (NM_000320.2); c.3GGC[6], p.Ala7dup (NM_001306140.2).
Identifiers: ClinVar variation 958406 (VCV000958406.6), dbSNP rs762480653, ClinGen allele CA2868259.